The following is an entry in ClinVar:

ClinVar aggregate classification (germline): Likely benign (1 of 4 stars; one submission).

gnomAD v4.1: 256 of 1,559,548 alleles (0.016%); highest among the groups gnomAD compares: Middle Eastern, 0.034%; no homozygotes.

Submission:

Molecular Diagnostic Laboratory for Inherited Cardiovascular Disease, Montreal Heart Institute
Classification: Likely benign. Last evaluated: 2025-04-09. Review status: criteria provided, single submitter. Criteria: ACMG Guidelines, 2015. Collection method: clinical testing. Allele origin: germline. Affected: no.
Comment: BP7

NM_001281740.3(FHOD3):c.4422C>T (p.Thr1474=)

Gene: FHOD3 (formin homology 2 domain containing 3; plus strand). Cytogenetic location: 18q12.2.
Variant type: single nucleotide variant.
Coding change: c.4422C>T on transcript NM_001281740.3 (MANE Select); coding-DNA position 4422, C replaced by T.
Protein change: p.Thr1474=; no amino-acid change (threonine 1474 retained).
Molecular consequence: synonymous variant.
Genome position (GRCh38, 1-based): chr18:36,755,308, C>T. VCF-style: chr18-36755308-C-T. GRCh37 (hg19) VCF-style: chr18-34335271-C-T.
Other names: c.3846C>T, p.Thr1282= (NM_001281739.3); c.3897C>T, p.Thr1299= (NM_025135.5).
Identifiers: ClinVar variation 3895360 (VCV003895360.1), dbSNP rs143946715.